The following is an entry in ClinVar:

ClinVar aggregate classification (germline): Pathogenic. Review status: criteria provided, single submitter (1 of 4 stars). 2 submissions from 2 submitters: Pathogenic (1). 1 of the submissions does not count toward it. Last evaluated 2024-07-08.

Conditions:
Autosomal recessive hypohidrotic ectodermal dysplasia syndrome. Also called: Autosomal recessive hypohidrotic ectodermal dysplasia. Identifiers: Orphanet 248, MedGen C0406702, MONDO:0016619.
Ectodermal dysplasia 10A, hypohidrotic/hair/nail type, autosomal dominant (ECTD10A). Also called: Ectodermal Dysplasia 3, Anhidrotic. Identifiers: Orphanet 1810, Orphanet 238468, MedGen C3888065, MONDO:0007509, OMIM 129490.
Mitochondrial DNA depletion syndrome 4b. Also called: Mitochondrial Neurogastrointestinal Encephalopathy Disease, POLG-Related; MNGIE, POLG-RELATED. Identifiers: Orphanet 298, MedGen C3150914, MONDO:0013350, OMIM 613662.
Progressive sclerosing poliodystrophy (MTDPS4A). Also called: Alpers-Huttenlocher Syndrome (AHS); NEURONAL DEGENERATION OF CHILDHOOD WITH LIVER DISEASE, PROGRESSIVE; Alpers Syndrome; ALPERS DIFFUSE DEGENERATION OF CEREBRAL GRAY MATTER WITH HEPATIC CIRRHOSIS; Alpers-Huttenlocher Syndrome; ALPERS PROGRESSIVE INFANTILE POLIODYSTROPHY. Identifiers: Orphanet 726, MedGen C0205710, MONDO:0008758, OMIM 203700.

Allele frequency attached by ClinVar (database versions not stated): ExAC 0.00001; gnomAD 0.00001; gnomAD exomes 0.00001; TOPMed 0.00001.
gnomAD v4.1: 43 of 1,614,060 alleles (0.0027%); highest among the groups gnomAD compares: Non-Finnish European, 0.0034%; no homozygotes.

Submissions (2):

Labcorp Genetics (formerly Invitae), Labcorp
Classification: Pathogenic for Ectodermal dysplasia 10A, hypohidrotic/hair/nail type, autosomal dominant; Autosomal recessive hypohidrotic ectodermal dysplasia syndrome. Last evaluated: 2024-07-08. Review status: criteria provided, single submitter. Criteria: Invitae Variant Classification Sherloc (09022015). Collection method: clinical testing. Allele origin: germline.
Comment: This sequence change replaces arginine, which is basic and polar, with cysteine, which is neutral and slightly polar, at codon 89 of the EDAR protein (p.Arg89Cys). This variant is present in population databases (rs780424781, gnomAD 0.006%). This missense change has been observed in individual(s) with clinical features of ectodermal dysplasia (Invitae). ClinVar contains an entry for this variant (Variation ID: 562015). Advanced modeling of protein sequence and biophysical properties (such as structural, functional, and spatial information, amino acid conservation, physicochemical variation, residue mobility, and thermodynamic stability) has been performed at Invitae for this missense variant, however the output from this modeling did not meet the statistical confidence thresholds required to predict the impact of this variant on EDAR protein function. This variant disrupts the p.Arg89 amino acid residue in EDAR. Other variant(s) that disrupt this residue have been determined to be pathogenic (PMID: 18231121, 20236127, 20979233). This suggests that this residue is clinically significant, and that variants that disrupt this residue are likely to be disease-causing. For these reasons, this variant has been classified as Pathogenic.

Hehr Laboratory, Center for Human Genetics Regensburg
Classification: Likely pathogenic for Progressive sclerosing poliodystrophy; Mitochondrial DNA depletion syndrome 4b. Last evaluated: 2016-10-09. Review status: no assertion criteria provided. Collection method: clinical testing. Allele origin: unknown. Affected: yes. Observed: 1 compound heterozygote. Not counted in ClinVar's aggregate classification.

Literature cited by the submitters: PubMed 18231121 (cited by Labcorp Genetics (formerly Invitae), Labcorp); PubMed 20236127 (cited by Labcorp Genetics (formerly Invitae), Labcorp); PubMed 20979233 (cited by Labcorp Genetics (formerly Invitae), Labcorp).

NM_022336.4(EDAR):c.265C>T (p.Arg89Cys)

Genes: EDAR (ectodysplasin A receptor; minus strand), RANBP2 (RAN binding protein 2; plus strand). Cytogenetic location: 2q13.
Variant type: single nucleotide variant.
Coding change: c.265C>T on transcript NM_022336.4 (MANE Select); coding-DNA position 265, C replaced by T.
Protein change: p.Arg89Cys; replaces arginine 89 with cysteine.
Molecular consequence: missense variant.
Genome position (GRCh38, 1-based): chr2:108,929,289, G>A on the plus strand (C>T on the coding strand, the complement: EDAR is on the minus strand). VCF-style: chr2-108929289-G-A. GRCh37 (hg19) VCF-style: chr2-109545745-G-A.
Other names: short protein forms R89C.
Identifiers: ClinVar variation 562015 (VCV000562015.7), dbSNP rs780424781, ClinGen allele CA1825141.